The following is an entry in ClinVar:

NM_017617.5(NOTCH1):c.3638C>G (p.Thr1213Ser)

Gene: NOTCH1 (notch receptor 1; minus strand). Cytogenetic location: 9q34.3.
Variant type: single nucleotide variant.
Coding change: c.3638C>G on transcript NM_017617.5 (MANE Select); coding-DNA position 3638, C replaced by G.
Protein change: p.Thr1213Ser; replaces threonine 1213 with serine.
Molecular consequence: missense variant.
Genome position (GRCh38, 1-based): chr9:136,507,310, G>C on the plus strand (C>G on the coding strand, the complement: NOTCH1 is on the minus strand). VCF-style: chr9-136507310-G-C. GRCh37 (hg19) VCF-style: chr9-139401762-G-C.
Other names: c.3638C>G, p.Thr1213Ser (LRG_1122t1); short protein forms T1213S.
Identifiers: ClinVar variation 264061 (VCV000264061.12), dbSNP rs750536437, ClinGen allele CA10587668.

ClinVar aggregate classification (germline): Uncertain significance. Review status: criteria provided, multiple submitters, no conflicts (2 of 4 stars). 3 submissions from 3 submitters: Uncertain significance (3). Last evaluated 2025-07-13.

Conditions:
Aortic valve disease 1 (AOVD1). Identifiers: MedGen C3887892, MONDO:0024523, OMIM 109730.
Adams-Oliver syndrome 5 (AOS5). Identifiers: Orphanet 974, MedGen C4014970, MONDO:0014459, OMIM 616028.
Familial thoracic aortic aneurysm and aortic dissection (TAAD). Also called: Thoracic aortic aneurysms and dissections. Identifiers: Orphanet 91387, MedGen C4707243, MONDO:0019625.

Allele frequency attached by ClinVar (database versions not stated): TOPMed 0.00001.
gnomAD v4.1: 4 of 1,612,798 alleles (0.00025%); highest among the groups gnomAD compares: Non-Finnish European, 0.00034%; no homozygotes.

Submissions (3):

Ambry Genetics
Classification: Uncertain significance for Familial thoracic aortic aneurysm and aortic dissection. Last evaluated: 2025-07-13. Review status: criteria provided, single submitter. Criteria: Ambry Variant Classification Scheme 2023. Collection method: clinical testing. Allele origin: germline.

Labcorp Genetics (formerly Invitae), Labcorp
Classification: Uncertain significance for Adams-Oliver syndrome 5. Last evaluated: 2024-05-07. Review status: criteria provided, single submitter. Criteria: Invitae Variant Classification Sherloc (09022015). Collection method: clinical testing. Allele origin: germline.
Comment: This sequence change replaces threonine, which is neutral and polar, with serine, which is neutral and polar, at codon 1213 of the NOTCH1 protein (p.Thr1213Ser). This variant is not present in population databases (gnomAD no frequency). This variant has not been reported in the literature in individuals affected with NOTCH1-related conditions. ClinVar contains an entry for this variant (Variation ID: 264061). Advanced modeling of protein sequence and biophysical properties (such as structural, functional, and spatial information, amino acid conservation, physicochemical variation, residue mobility, and thermodynamic stability) performed at Invitae indicates that this missense variant is not expected to disrupt NOTCH1 protein function with a negative predictive value of 95%. In summary, the available evidence is currently insufficient to determine the role of this variant in disease. Therefore, it has been classified as a Variant of Uncertain Significance.

Fulgent Genetics
Classification: Uncertain significance for Aortic valve disease 1; Adams-Oliver syndrome 5. Last evaluated: 2022-01-24. Review status: criteria provided, single submitter. Criteria: ACMG Guidelines, 2015. Collection method: clinical testing. Allele origin: unknown.